The following is an entry in ClinVar:

ClinVar aggregate classification (germline): Uncertain significance (1 of 4 stars; one submission).

Conditions:
DiGeorge syndrome. Also called: Catch22; THIRD AND FOURTH PHARYNGEAL POUCH SYNDROME. Identifiers: Orphanet 567, MedGen C0012236, MONDO:0008564, OMIM 188400.

gnomAD v4.1: 1 of 1,439,190 alleles (0.000069%); highest among the groups gnomAD compares: Admixed American, 0.0023%; no homozygotes.

Submission:

Labcorp Genetics (formerly Invitae), Labcorp
Classification: Uncertain significance for DiGeorge syndrome. Last evaluated: 2024-05-18. Review status: criteria provided, single submitter. Criteria: Invitae Variant Classification Sherloc (09022015). Collection method: clinical testing. Allele origin: germline.
Comment: This sequence change replaces proline, which is neutral and non-polar, with threonine, which is neutral and polar, at codon 89 of the TBX1 protein (p.Pro89Thr). The frequency data for this variant in the population databases is considered unreliable, as metrics indicate poor data quality at this position in the gnomAD database. This variant has not been reported in the literature in individuals affected with TBX1-related conditions. Advanced modeling of protein sequence and biophysical properties (such as structural, functional, and spatial information, amino acid conservation, physicochemical variation, residue mobility, and thermodynamic stability) performed at Invitae indicates that this missense variant is not expected to disrupt TBX1 protein function with a negative predictive value of 80%. In summary, the available evidence is currently insufficient to determine the role of this variant in disease. Therefore, it has been classified as a Variant of Uncertain Significance.

NM_001379200.1(TBX1):c.292C>A (p.Pro98Thr)

Gene: TBX1 (T-box transcription factor 1; plus strand). Cytogenetic location: 22q11.21.
Variant type: single nucleotide variant.
Coding change: c.292C>A on transcript NM_001379200.1 (MANE Select); coding-DNA position 292, C replaced by A.
Protein change: p.Pro98Thr; replaces proline 98 with threonine.
Molecular consequence: missense variant.
Genome position (GRCh38, 1-based): chr22:19,761,135, C>A. VCF-style: chr22-19761135-C-A. GRCh37 (hg19) VCF-style: chr22-19748658-C-A.
Other names: c.265C>A, p.Pro89Thr (NM_005992.1, NM_080646.2, NM_080647.1); short protein forms P89T, P98T.
Identifiers: ClinVar variation 3616778 (VCV003616778.2).